The following is an entry in ClinVar:

ClinVar aggregate classification (germline): Uncertain significance (1 of 4 stars; one submission).

Conditions:
Idiopathic generalized epilepsy. Also called: Generalised epilepsy; EIG. Identifiers: MedGen C0270850, MONDO:0005579, OMIM 600669.

Allele frequency attached by ClinVar (database versions not stated): gnomAD 0.00001; ExAC 0.00002; 1000 Genomes Project 30x 0.00016; 1000 Genomes Project 0.00020.

Submission:

Labcorp Genetics (formerly Invitae), Labcorp
Classification: Uncertain significance for Idiopathic generalized epilepsy. Last evaluated: 2022-11-17. Review status: criteria provided, single submitter. Criteria: Invitae Variant Classification Sherloc (09022015). Collection method: clinical testing. Allele origin: germline.
Comment: This sequence change replaces arginine, which is basic and polar, with histidine, which is basic and polar, at codon 381 of the GABRD protein (p.Arg381His). In summary, the available evidence is currently insufficient to determine the role of this variant in disease. Therefore, it has been classified as a Variant of Uncertain Significance. Algorithms developed to predict the effect of missense changes on protein structure and function output the following: SIFT: "Tolerated"; PolyPhen-2: "Benign"; Align-GVGD: "Class C0". The histidine amino acid residue is found in multiple mammalian species, which suggests that this missense change does not adversely affect protein function. This variant has not been reported in the literature in individuals affected with GABRD-related conditions. This variant is present in population databases (rs555017258, gnomAD 0.007%).

NM_000815.5(GABRD):c.1142G>A (p.Arg381His)

Gene: GABRD (gamma-aminobutyric acid type A receptor subunit delta; plus strand). Cytogenetic location: 1p36.33.
Variant type: single nucleotide variant.
Coding change: c.1142G>A on transcript NM_000815.5 (MANE Select); coding-DNA position 1142, G replaced by A.
Protein change: p.Arg381His; replaces arginine 381 with histidine.
Molecular consequence: missense variant.
Genome position (GRCh38, 1-based): chr1:2,030,065, G>A. VCF-style: chr1-2030065-G-A. GRCh37 (hg19) VCF-style: chr1-1961504-G-A.
Other names: short protein forms R381H.
Identifiers: ClinVar variation 2722999 (VCV002722999.1), dbSNP rs555017258, ClinGen allele CA534924.